The following is an entry in ClinVar:

ClinVar aggregate classification (germline): Uncertain significance (1 of 4 stars; one submission).

Submission:

Mayo Clinic Laboratories, Mayo Clinic
Classification: Uncertain significance. Last evaluated: 2025-07-17. Review status: criteria provided, single submitter. Criteria: ACMG Guidelines, 2015. Collection method: clinical testing. Allele origin: germline. Observed: 1 variant allele.
Comment: PM2_supporting

Literature cited by the submitters: PubMed 29238064.

NM_001267550.2(TTN):c.9071C>A (p.Ser3024Ter)

Gene: TTN (titin; minus strand). Cytogenetic location: 2q31.2.
Variant type: single nucleotide variant.
Coding change: c.9071C>A on transcript NM_001267550.2 (MANE Select); coding-DNA position 9071, C replaced by A.
Protein change: p.Ser3024Ter; replaces serine 3024 with a stop codon.
Molecular consequence: nonsense.
Genome position (GRCh38, 1-based): chr2:178,768,765, G>T on the plus strand (C>A on the coding strand, the complement: TTN is on the minus strand). VCF-style: chr2-178768765-G-T. GRCh37 (hg19) VCF-style: chr2-179633492-G-T.
Other names: p.Ser3024*; c.9071C>A, p.Ser3024Ter (NM_001256850.1, NM_133378.4, NM_133379.5); c.8933C>A, p.Ser2978Ter (NM_003319.4, NM_133432.3, NM_133437.4); short protein forms S2978*, S3024*.
Identifiers: ClinVar variation 4540767 (VCV004540767.1).
Genomic context (GRCh38, chr2:178,768,765, plus strand): 5'-TTTCCAGCCACAAAGGTGTAGTCAGCAGCATCCCCAAAGTGAACATTCCTGATGTTCAGT[G>T]AGTGTGTGAGCTTTTTGGTTCTCATCTGGCACTTGTCAGTTGATTTGATTTCCACACCAT-3'